The following is an entry in ClinVar:

ClinVar aggregate classification (germline): Uncertain significance (1 of 4 stars; one submission).

Conditions:
Hereditary cancer-predisposing syndrome. Also called: Neoplastic Syndromes, Hereditary; Tumor predisposition; Hereditary neoplastic syndrome; Hereditary Cancer Syndrome. Identifiers: Orphanet 140162, MedGen C0027672, MeSH D009386, MONDO:0015356.

Submission:

Ambry Genetics
Classification: Uncertain significance for Hereditary cancer-predisposing syndrome. Last evaluated: 2026-09-03. Review status: criteria provided, single submitter. Criteria: Ambry Variant Classification Scheme 2023. Collection method: clinical testing. Allele origin: germline.
Comment: The p.H476Q variant (also known as c.1428C>A), located in coding exon 10 of the FH gene, results from a C to A substitution at nucleotide position 1428. The histidine at codon 476 is replaced by glutamine, an amino acid with highly similar properties. This amino acid position is highly conserved in available vertebrate species. In addition, the in silico prediction for this alteration is inconclusive. Based on the available evidence, the clinical significance of this variant remains unclear.

NM_000143.4(FH):c.1428C>A (p.His476Gln)

Gene: FH (fumarate hydratase; minus strand). Cytogenetic location: 1q43.
Variant type: single nucleotide variant.
Coding change: c.1428C>A on transcript NM_000143.4 (MANE Select); coding-DNA position 1428, C replaced by A.
Protein change: p.His476Gln; replaces histidine 476 with glutamine.
Molecular consequence: missense variant.
Genome position (GRCh38, 1-based): chr1:241,497,933, G>T on the plus strand (C>A on the coding strand, the complement: FH is on the minus strand). VCF-style: chr1-241497933-G-T. GRCh37 (hg19) VCF-style: chr1-241661233-G-T.
Other names: short protein forms H476Q.
Identifiers: ClinVar variation 5021692 (VCV005021692.1).
Genomic context (GRCh38, chr1:241,497,933, plus strand): 5'-CTGCTCTGCTGTGAGATAGCCAAGTTCGATAGCAGTTTCCTTTAAGGTTGATCCATTTTT[G>T]TGTGCTGTCTTAGCAATCTTTGCTGCCTTGTCATACCCTGAAGAAAAAATAAAAAGACGA-3'
Protein context (NP_000134.2, residues 466-486): DKAAKIAKTA[His476Gln]KNGSTLKETA